The following is an entry in ClinVar:

ClinVar aggregate classification (germline): Uncertain significance (1 of 4 stars; one submission).

Conditions:
Early-onset Lafora body disease. Also called: Epilepsy, progressive myoclonic, 10. Identifiers: Orphanet 324290, MedGen C4225258, MONDO:0014717, OMIM 616640.

Submission:

Labcorp Genetics (formerly Invitae), Labcorp
Classification: Uncertain significance for Early-onset Lafora body disease. Last evaluated: 2023-08-17. Review status: criteria provided, single submitter. Criteria: Invitae Variant Classification Sherloc (09022015). Collection method: clinical testing. Allele origin: germline.
Comment: This variant has not been reported in the literature in individuals affected with PRDM8-related conditions. This variant is present in population databases (rs756781919, gnomAD 0.009%). This variant, c.1702_1704dup, results in the insertion of 1 amino acid(s) of the PRDM8 protein (p.Gly568dup), but otherwise preserves the integrity of the reading frame. ClinVar contains an entry for this variant (Variation ID: 935533). In summary, the available evidence is currently insufficient to determine the role of this variant in disease. Therefore, it has been classified as a Variant of Uncertain Significance. Experimental studies and prediction algorithms are not available or were not evaluated, and the functional significance of this variant is currently unknown.

NM_001099403.2(PRDM8):c.1693GGC[5] (p.Gly568dup)

Gene: PRDM8 (PR/SET domain 8; plus strand). Cytogenetic location: 4q21.21.
Variant type: Microsatellite.
Coding change: c.1693GGC[5] on transcript NM_001099403.2 (MANE Select); five copies in a row of the 3-base unit GGC starting at c.1693; the reference has four copies in a row; one copy, 3 bases duplicated.
Protein change: p.Gly568dup; duplicates glycine 568.
Molecular consequence: inframe insertion.
Genome position (GRCh38, 1-based): chr4:80,203,164-80,203,166, GGC duplicated; duplicating any 3 consecutive bases within chr4:80,203,153-80,203,166 gives the same sequence; the position shown is the placement nearest the transcript's 3' end. VCF-style (leftmost placement, unchanged base first): chr4-80203152-A-AGCG. GRCh37 (hg19) VCF-style: chr4-81124306-A-AGCG.
Other names: c.1702_1704dup (NM_020226.3); c.1693GGC[5], p.Gly568dup (NM_020226.4).
Identifiers: ClinVar variation 935533 (VCV000935533.9), dbSNP rs756781919, ClinGen allele CA2982432.